The following is an entry in ClinVar:

ClinVar aggregate classification (germline): Likely benign. Review status: criteria provided, multiple submitters, no conflicts (2 of 4 stars). 4 submissions from 3 submitters: Likely benign (4). Last evaluated 2024-09-06.

Conditions:
Adams-Oliver syndrome 5 (AOS5). Identifiers: Orphanet 974, MedGen C4014970, MONDO:0014459, OMIM 616028.
Aortic valve disease 1 (AOVD1). Identifiers: MedGen C3887892, MONDO:0024523, OMIM 109730.

Allele frequency attached by ClinVar (database versions not stated): gnomAD exomes 0.00002; gnomAD 0.00003; TOPMed 0.00003; ExAC 0.00005.
gnomAD v4.1: 32 of 1,569,722 alleles (0.002%); highest among the groups gnomAD compares: African/African-American, 0.0027%; no homozygotes.

Submissions (4):

Labcorp Genetics (formerly Invitae), Labcorp
Classification: Likely benign for Adams-Oliver syndrome 5. Last evaluated: 2024-09-06. Review status: criteria provided, single submitter. Criteria: Invitae Variant Classification Sherloc (09022015). Collection method: clinical testing. Allele origin: germline.

Genome-Nilou Lab
Classification: Likely benign for Adams-Oliver syndrome 5. Last evaluated: 2022-03-15. Review status: criteria provided, single submitter. Criteria: ACMG Guidelines, 2015. Collection method: clinical testing. Allele origin: germline. Affected: no.

Genome-Nilou Lab
Classification: Likely benign for Aortic valve disease 1. Last evaluated: 2022-03-15. Review status: criteria provided, single submitter. Criteria: ACMG Guidelines, 2015. Collection method: clinical testing. Allele origin: germline. Affected: no.

GeneDx
Classification: Likely benign. Last evaluated: 2017-06-06. Review status: criteria provided, single submitter. Criteria: GeneDx Variant Classification (06012015). Collection method: clinical testing. Allele origin: germline. Affected: yes.
Comment: This variant is considered likely benign or benign based on one or more of the following criteria: it is a conservative change, it occurs at a poorly conserved position in the protein, it is predicted to be benign by multiple in silico algorithms, and/or has population frequency not consistent with disease.

NM_017617.5(NOTCH1):c.3644-17G>A

Gene: NOTCH1 (notch receptor 1; minus strand). Cytogenetic location: 9q34.3.
Variant type: single nucleotide variant.
Coding change: c.3644-17G>A on transcript NM_017617.5 (MANE Select); 17 bases into the intron before coding-DNA position 3644, G replaced by A.
Molecular consequence: intron variant.
Genome position (GRCh38, 1-based): chr9:136,506,990, C>T on the plus strand (G>A on the coding strand, the complement: NOTCH1 is on the minus strand). VCF-style: chr9-136506990-C-T. GRCh37 (hg19) VCF-style: chr9-139401442-C-T.
Other names: c.3644-17G>A (LRG_1122t1).
Identifiers: ClinVar variation 510018 (VCV000510018.9), dbSNP rs139960251, ClinGen allele CA5340839.